The following is an entry in ClinVar:

NM_001142864.4(PIEZO1):c.326+7_326+8delinsAT

Gene: PIEZO1 (piezo type mechanosensitive ion channel component 1 (Er blood group); minus strand). Cytogenetic location: 16q24.3.
Variant type: Indel.
Coding change: c.326+7_326+8delinsAT on transcript NM_001142864.4 (MANE Select); bases 7 to 8 of the intron after coding-DNA position 326, CC replaced by AT.
Molecular consequence: intron variant.
Genome position (GRCh38, 1-based): chr16:88,742,045-88,742,046, GG replaced by AT on the plus strand (CC replaced by AT on the coding strand, the reverse complement: PIEZO1 is on the minus strand). VCF-style: chr16-88742045-GG-AT. GRCh37 (hg19) VCF-style: chr16-88808453-GG-AT.
Identifiers: ClinVar variation 3712485 (VCV003712485.2).

ClinVar aggregate classification (germline): Uncertain significance (1 of 4 stars; one submission).

Submission:

Labcorp Genetics (formerly Invitae), Labcorp
Classification: Uncertain significance. Last evaluated: 2024-10-22. Review status: criteria provided, single submitter. Criteria: Invitae Variant Classification Sherloc (09022015). Collection method: clinical testing. Allele origin: germline.
Comment: This sequence change falls in intron 4 of the PIEZO1 gene. It does not directly change the encoded amino acid sequence of the PIEZO1 protein. Information on the frequency of this variant in the gnomAD database is not available, as this variant may be reported differently in the database. This variant has not been reported in the literature in individuals affected with PIEZO1-related conditions. Experimental studies and prediction algorithms are not available or were not evaluated, and the effect of this variant on mRNA splicing is currently unknown. In summary, the available evidence is currently insufficient to determine the role of this variant in disease. Therefore, it has been classified as a Variant of Uncertain Significance.